The following is an entry in ClinVar:

ClinVar aggregate classification (germline): Uncertain significance. Review status: criteria provided, multiple submitters, no conflicts (2 of 4 stars). 3 submissions from 3 submitters: Uncertain significance (3). Last evaluated 2024-02-13.

Conditions:
Inborn genetic diseases. Identifiers: MedGen C0950123, MeSH D030342.

Allele frequency attached by ClinVar (database versions not stated): gnomAD 0.00001 and 0.00003; TOPMed 0.00002; 1000 Genomes Project 30x 0.00016; 1000 Genomes Project 0.00020.
gnomAD v4.1: 68 of 1,611,874 alleles (0.0042%); highest among the groups gnomAD compares: East Asian, 0.11%; no homozygotes.

Submissions (3):

Ambry Genetics
Classification: Uncertain significance for Inborn genetic diseases. Last evaluated: 2024-02-13. Review status: criteria provided, single submitter. Criteria: Ambry Variant Classification Scheme 2023. Collection method: clinical testing. Allele origin: germline.

Labcorp Genetics (formerly Invitae), Labcorp
Classification: Uncertain significance. Last evaluated: 2022-06-20. Review status: criteria provided, single submitter. Criteria: Invitae Variant Classification Sherloc (09022015). Collection method: clinical testing. Allele origin: germline.
Comment: This sequence change replaces arginine, which is basic and polar, with glutamine, which is neutral and polar, at codon 273 of the GPSM2 protein (p.Arg273Gln). This variant is present in population databases (rs77121685, gnomAD 0.03%). This variant has not been reported in the literature in individuals affected with GPSM2-related conditions. ClinVar contains an entry for this variant (Variation ID: 666836). Algorithms developed to predict the effect of missense changes on protein structure and function are either unavailable or do not agree on the potential impact of this missense change (SIFT: "Tolerated"; PolyPhen-2: "Possibly Damaging"; Align-GVGD: "Class C0"). In summary, the available evidence is currently insufficient to determine the role of this variant in disease. Therefore, it has been classified as a Variant of Uncertain Significance.

Laboratory for Molecular Medicine, Mass General Brigham Personalized Medicine
Classification: Uncertain significance. Last evaluated: 2018-06-27. Review status: criteria provided, single submitter. Criteria: LMM Criteria. Collection method: clinical testing. Allele origin: germline. Observed: 1 variant allele.
Comment: The p.Arg273Gln variant in GPSM2 has not been previously reported in individuals with hearing loss or Chudley-McCullough syndrome but has been identified in 5/1 7248 East Asian chromosomes by the Genome Aggregation Database (gnomAD; dbSNP rs77121685). Computational prediction tools and conservation analysis do not provide strong support for or against an impact to the protein. In summary, the clinical significance of the p.Arg273Gln variant is uncertain. ACMG/AMP Criteria applied: PM2_Supporting.

NM_013296.5(GPSM2):c.818G>A (p.Arg273Gln)

Gene: GPSM2 (G protein signaling modulator 2; plus strand). Cytogenetic location: 1p13.3.
Variant type: single nucleotide variant.
Coding change: c.818G>A on transcript NM_013296.5 (MANE Select); coding-DNA position 818, G replaced by A.
Protein change: p.Arg273Gln; replaces arginine 273 with glutamine.
Molecular consequence: missense variant.
Genome position (GRCh38, 1-based): chr1:108,901,810, G>A. VCF-style: chr1-108901810-G-A. GRCh37 (hg19) VCF-style: chr1-109444432-G-A.
Other names: c.818G>A, p.Arg273Gln (NM_001321038.2, NM_001321039.3); short protein forms R273Q.
Identifiers: ClinVar variation 666836 (VCV000666836.13), dbSNP rs77121685, ClinGen allele CA982894.